The following is an entry in ClinVar:

NM_001365536.1(SCN9A):c.2204del (p.Lys735fs)

Genes: SCN9A (sodium voltage-gated channel alpha subunit 9; minus strand), SCN1A-AS1 (SCN1A and SCN9A antisense RNA 1; plus strand). Cytogenetic location: 2q24.3.
Variant type: Deletion.
Coding change: c.2204del on transcript NM_001365536.1 (MANE Select); coding-DNA position 2204, one base deleted (A; older notation c.2204delA).
Protein change: p.Lys735fs; shifts the reading frame from lysine 735.
Molecular consequence: frameshift variant.
Genome position (GRCh38, 1-based): chr2:166,280,496, T deleted on the plus strand (A on the coding strand, the reverse complement: SCN9A is on the minus strand); the first of 5 consecutive T bases (chr2:166,280,496-166,280,500); deleting any one gives the same sequence. VCF-style (leftmost placement, unchanged base first): chr2-166280495-CT-C. GRCh37 (hg19) VCF-style: chr2-167137005-CT-C.
Other names: p.Lys724Serfs*7; c.2167delA, p.Lys724Serfs (NM_002977.4); short protein forms K724fs, K735fs.
Identifiers: ClinVar variation 1068510 (VCV001068510.8), dbSNP rs1297421890, ClinGen allele CA2499215222.

ClinVar aggregate classification (germline): Pathogenic/Likely pathogenic. Review status: criteria provided, multiple submitters, no conflicts (2 of 4 stars). 2 submissions from 2 submitters: Pathogenic (1); Likely pathogenic (1). Last evaluated 2024-05-13.

Conditions:
Generalized epilepsy with febrile seizures plus, type 7 (GEFSP7). Also called: GEFS+, TYPE 7. Identifiers: Orphanet 36387, MedGen C2751778, MONDO:0013470, OMIM 613863.
Neuropathy, hereditary sensory and autonomic, type 2A (HSAN2A). Also called: MORVAN DISEASE; NEUROPATHY, CONGENITAL SENSORY; NEUROPATHY, HEREDITARY SENSORY RADICULAR, AUTOSOMAL RECESSIVE; NEUROPATHY, HEREDITARY SENSORY, TYPE IIA; NEUROPATHY, PROGRESSIVE SENSORY, OF CHILDREN; WNK1-Related HSAN2 (HSAN2A). Identifiers: Orphanet 970, MedGen C2752089, MONDO:0024309, OMIM 201300.

Submissions (2):

Mayo Clinic Laboratories, Mayo Clinic
Classification: Likely pathogenic. Last evaluated: 2024-05-13. Review status: criteria provided, single submitter. Criteria: ACMG Guidelines, 2015. Collection method: clinical testing. Allele origin: germline. Observed: 1 variant allele.
Comment: PM2, PVS1

Labcorp Genetics (formerly Invitae), Labcorp
Classification: Pathogenic for Neuropathy, hereditary sensory and autonomic, type 2A; Generalized epilepsy with febrile seizures plus, type 7. Last evaluated: 2020-01-24. Review status: criteria provided, single submitter. Criteria: Invitae Variant Classification Sherloc (09022015). Collection method: clinical testing. Allele origin: germline.
Comment: For these reasons, this variant has been classified as Pathogenic. This sequence change creates a premature translational stop signal (p.Lys724Serfs*7) in the SCN9A gene. It is expected to result in an absent or disrupted protein product. This variant is not present in population databases (ExAC no frequency). This variant has not been reported in the literature in individuals with SCN9A-related conditions. Loss-of-function variants in SCN9A are known to be pathogenic (PMID: 17470132, 19304393).

Literature cited by the submitters: PubMed 17470132 (cited by Labcorp Genetics (formerly Invitae), Labcorp); PubMed 19304393 (cited by Labcorp Genetics (formerly Invitae), Labcorp).